The following is an entry in ClinVar:

NM_006204.4(PDE6C):c.2081T>C (p.Met694Thr)

Gene: PDE6C (phosphodiesterase 6C; plus strand). Cytogenetic location: 10q23.33.
Variant type: single nucleotide variant.
Coding change: c.2081T>C on transcript NM_006204.4 (MANE Select); coding-DNA position 2081, T replaced by C.
Protein change: p.Met694Thr; replaces methionine 694 with threonine.
Molecular consequence: missense variant.
Genome position (GRCh38, 1-based): chr10:93,658,945, T>C. VCF-style: chr10-93658945-T-C. GRCh37 (hg19) VCF-style: chr10-95418702-T-C.
Other names: short protein forms M694T.
Identifiers: ClinVar variation 957229 (VCV000957229.10), dbSNP rs2058653541, ClinGen allele CA377624735.
Genomic context (GRCh38, chr10:93,658,945, plus strand): 5'-GCTGTATCTTTTCTAGGAAGAGGACCATGTTTCAAAAAATTGTTGATGCCTGTGAACAAA[T>C]GCAAACGGAAGAAGAAGCCATCAAATATGTAACTGTTGATCCAACCAAGAAAGAGATTAT-3'
Protein context (NP_006195.3, residues 684-704): FQKIVDACEQ[Met694Thr]QTEEEAIKYV

ClinVar aggregate classification (germline): Uncertain significance. Review status: criteria provided, multiple submitters, no conflicts (2 of 4 stars). 2 submissions from 2 submitters: Uncertain significance (2). Last evaluated 2025-08-28.

Conditions:
Inborn genetic diseases. Identifiers: MedGen C0950123, MeSH D030342.

Allele frequency attached by ClinVar (database versions not stated): gnomAD exomes below 0.00001; gnomAD 0.00001.
gnomAD v4.1: 2 of 1,613,182 alleles (0.00012%); highest among the groups gnomAD compares: African/African-American, 0.0027%; no homozygotes.

Submissions (2):

Ambry Genetics
Classification: Uncertain significance for Inborn genetic diseases. Last evaluated: 2025-08-28. Review status: criteria provided, single submitter. Criteria: Ambry Variant Classification Scheme 2023. Collection method: clinical testing. Allele origin: germline.

Labcorp Genetics (formerly Invitae), Labcorp
Classification: Uncertain significance. Last evaluated: 2025-01-15. Review status: criteria provided, single submitter. Criteria: Invitae Variant Classification Sherloc (09022015). Collection method: clinical testing. Allele origin: germline.
Comment: This sequence change replaces methionine, which is neutral and non-polar, with threonine, which is neutral and polar, at codon 694 of the PDE6C protein (p.Met694Thr). This variant is not present in population databases (gnomAD no frequency). This variant has not been reported in the literature in individuals affected with PDE6C-related conditions. ClinVar contains an entry for this variant (Variation ID: 957229). Invitae Evidence Modeling of protein sequence and biophysical properties (such as structural, functional, and spatial information, amino acid conservation, physicochemical variation, residue mobility, and thermodynamic stability) indicates that this missense variant is not expected to disrupt PDE6C protein function with a negative predictive value of 80%. In summary, the available evidence is currently insufficient to determine the role of this variant in disease. Therefore, it has been classified as a Variant of Uncertain Significance.